The following is an entry in ClinVar:

NM_030777.4(SLC2A10):c.643C>T (p.Arg215Trp)

Gene: SLC2A10 (solute carrier family 2 member 10; plus strand). Cytogenetic location: 20q13.12.
Variant type: single nucleotide variant.
Coding change: c.643C>T on transcript NM_030777.4 (MANE Select); coding-DNA position 643, C replaced by T.
Protein change: p.Arg215Trp; replaces arginine 215 with tryptophan.
Molecular consequence: missense variant.
Genome position (GRCh38, 1-based): chr20:46,725,679, C>T. VCF-style: chr20-46725679-C-T. GRCh37 (hg19) VCF-style: chr20-45354318-C-T.
Other names: c.643C>T (NM_030777.3); short protein forms R215W.
Identifiers: ClinVar variation 1423239 (VCV001423239.8), dbSNP rs200565780, ClinGen allele CA315755890.

ClinVar aggregate classification (germline): Uncertain significance. Review status: criteria provided, multiple submitters, no conflicts (2 of 4 stars). 4 submissions from 4 submitters: Uncertain significance (4). Last evaluated 2026-04-29.

Conditions:
Familial thoracic aortic aneurysm and aortic dissection (TAAD). Also called: Thoracic aortic aneurysms and dissections. Identifiers: Orphanet 91387, MedGen C4707243, MONDO:0019625.
Arterial tortuosity syndrome (ATORS). Identifiers: Orphanet 3342, MedGen C1859726, MONDO:0008818, OMIM 208050.

Allele frequency attached by ClinVar (database versions not stated): TOPMed 0.00001; gnomAD 0.00002 and 0.00003; gnomAD exomes 0.00003.

Submissions (4):

Ambry Genetics
Classification: Uncertain significance for Familial thoracic aortic aneurysm and aortic dissection. Last evaluated: 2026-04-29. Review status: criteria provided, single submitter. Criteria: Ambry Variant Classification Scheme 2023. Collection method: clinical testing. Allele origin: germline.
Comment: The p.R215W variant (also known as c.643C>T), located in coding exon 2 of the SLC2A10 gene, results from a C to T substitution at nucleotide position 643. The arginine at codon 215 is replaced by tryptophan, an amino acid with dissimilar properties. This amino acid position is poorly conserved in available vertebrate species. In addition, this alteration is predicted to be tolerated by in silico analysis. Based on the available evidence, the clinical significance of this variant remains unclear.

GeneDx
Classification: Uncertain significance. Last evaluated: 2025-08-06. Review status: criteria provided, single submitter. Criteria: GeneDx Variant Classification Process June 2021. Collection method: clinical testing. Allele origin: germline. Affected: yes.
Comment: Not observed at significant frequency in large population cohorts (gnomAD); In silico analysis supports that this missense variant has a deleterious effect on protein structure/function; Has not been previously published as pathogenic or benign to our knowledge

Blueprint Genetics
Classification: Uncertain significance. Last evaluated: 2024-11-13. Review status: criteria provided, single submitter. Criteria: ACMG Guidelines, 2015. Collection method: clinical testing. Allele origin: germline.

Labcorp Genetics (formerly Invitae), Labcorp
Classification: Uncertain significance for Arterial tortuosity syndrome. Last evaluated: 2022-07-17. Review status: criteria provided, single submitter. Criteria: Invitae Variant Classification Sherloc (09022015). Collection method: clinical testing. Allele origin: germline.
Comment: This sequence change replaces arginine, which is basic and polar, with tryptophan, which is neutral and slightly polar, at codon 215 of the SLC2A10 protein (p.Arg215Trp). This variant is present in population databases (rs200565780, gnomAD 0.01%). This variant has not been reported in the literature in individuals affected with SLC2A10-related conditions. ClinVar contains an entry for this variant (Variation ID: 1423239). Advanced modeling of protein sequence and biophysical properties (such as structural, functional, and spatial information, amino acid conservation, physicochemical variation, residue mobility, and thermodynamic stability) performed at Invitae indicates that this missense variant is not expected to disrupt SLC2A10 protein function. In summary, the available evidence is currently insufficient to determine the role of this variant in disease. Therefore, it has been classified as a Variant of Uncertain Significance.